The following is an entry in ClinVar:

ClinVar aggregate classification (germline): Likely benign. Review status: criteria provided, multiple submitters, no conflicts (2 of 4 stars). 2 submissions from 2 submitters: Likely benign (2). Last evaluated 2018-06-16.

Allele frequency attached by ClinVar (database versions not stated): 1000 Genomes Project 0.01597; 1000 Genomes Project 30x 0.01733; gnomAD 0.02457 and 0.02648; TOPMed 0.02699.
gnomAD v4.1: 34,139 of 1,468,030 alleles (2.3%); highest among the groups gnomAD compares: African/African-American, 4.3%; 542 homozygotes.

Submissions (2):

GeneDx
Classification: Likely benign. Last evaluated: 2018-06-16. Review status: criteria provided, single submitter. Criteria: GeneDx Variant Classification (06012015). Collection method: clinical testing. Allele origin: germline. Affected: yes.
Comment: This variant is considered likely benign or benign based on one or more of the following criteria: it is a conservative change, it occurs at a poorly conserved position in the protein, it is predicted to be benign by multiple in silico algorithms, and/or has population frequency not consistent with disease.

Breakthrough Genomics
Classification: Likely benign. Review status: criteria provided, single submitter. Criteria: ACMG Guidelines, 2015. Collection method: not provided. Allele origin: germline. Inheritance: Autosomal recessive inheritance. Affected: yes.

NM_016356.5(DCDC2):c.293+79C>T

Genes: DCDC2 (doublecortin domain containing 2; minus strand), KAAG1 (kidney associated DCDC2 antisense RNA 1; plus strand). Cytogenetic location: 6p22.3.
Variant type: single nucleotide variant.
Coding change: c.293+79C>T on transcript NM_016356.5 (MANE Select); 79 bases into the intron after coding-DNA position 293, C replaced by T.
Molecular consequence: intron variant.
Genome position (GRCh38, 1-based): chr6:24,357,379, G>A on the plus strand (C>T on the coding strand, the complement: DCDC2 is on the minus strand). VCF-style: chr6-24357379-G-A. GRCh37 (hg19) VCF-style: chr6-24357607-G-A.
Other names: c.293+79C>T (NM_001195610.2).
Identifiers: ClinVar variation 683196 (VCV000683196.2), dbSNP rs140803474, ClinGen allele CA15429550.